The following is an entry in ClinVar:

ClinVar aggregate classification (germline): Likely pathogenic (1 of 4 stars; one submission).

Conditions:
5-Oxoprolinase deficiency (OPLAHD). Also called: 5-OXOPROLINURIA DUE TO 5-OXOPROLINASE DEFICIENCY. Identifiers: Orphanet 33572, MedGen C0268525, MONDO:0009825, OMIM 260005, HP:0040142.

Submission:

First Genomix Gene Laboratory, Genetic Diagnostics Department
Classification: Likely pathogenic for 5-Oxoprolinase deficiency. Last evaluated: 2025-01-17. Review status: criteria provided, single submitter. Criteria: ACMG Guidelines, 2015. Collection method: clinical testing. Allele origin: germline. Inheritance: Autosomal recessive inheritance. Affected: no. Observed: 1 variant allele.

NM_017570.5(OPLAH):c.3764del (p.Asp1255fs)

Gene: OPLAH (5-oxoprolinase, ATP-hydrolysing; minus strand). Cytogenetic location: 8q24.3.
Variant type: Deletion.
Coding change: c.3764del on transcript NM_017570.5 (MANE Select); coding-DNA position 3764, one base deleted (A; older notation c.3764delA).
Protein change: p.Asp1255fs; shifts the reading frame from aspartic acid 1255.
Molecular consequence: frameshift variant.
Genome position (GRCh38, 1-based): chr8:144,051,429, T deleted on the plus strand (A on the coding strand, the reverse complement: OPLAH is on the minus strand). VCF-style (leftmost placement, unchanged base first): chr8-144051428-GT-G. GRCh37 (hg19) VCF-style: chr8-145106329-GT-G.
Other names: c.3764delA (NM_017570.5); short protein forms D1255fs.
Identifiers: ClinVar variation 4845697 (VCV004845697.1).